The following is an entry in ClinVar:

NM_000219.6(KCNE1):c.229C>A (p.Pro77Thr)

Gene: KCNE1 (potassium voltage-gated channel subfamily E regulatory subunit 1; minus strand). Cytogenetic location: 21q22.12.
Variant type: single nucleotide variant.
Coding change: c.229C>A on transcript NM_000219.6 (MANE Select); coding-DNA position 229, C replaced by A.
Protein change: p.Pro77Thr; replaces proline 77 with threonine.
Molecular consequence: missense variant.
Genome position (GRCh38, 1-based): chr21:34,449,406, G>T on the plus strand (C>A on the coding strand, the complement: KCNE1 is on the minus strand). VCF-style: chr21-34449406-G-T. GRCh37 (hg19) VCF-style: chr21-35821704-G-T.
Other names: c.229C>A, p.Pro77Thr (NM_001127668.4, NM_001127669.4, NM_001127670.4 and 4 more transcripts); short protein forms P77T.
Identifiers: ClinVar variation 3374381 (VCV003374381.2).
Genomic context (GRCh38, chr21:34,449,406, plus strand): 5'-CCTGGACATAGGCCTTGTCCTTCTCTTGCCAGGCATCGGACTCGATGTAGACGTTGAATG[G>T]GTCGTTCGAGTGCTCCAGCTTCTTGGAGCGGATGTAGCTCAGCATGATGCCCAGGGTGAA-3'
Protein context (NP_000210.2, residues 67-87): RSKKLEHSND[Pro77Thr]FNVYIESDAW

Conditions:
Long QT syndrome 5 (LQT5). Identifiers: Orphanet 101016, Orphanet 768, MedGen C1867904, MONDO:0013372, OMIM 613695.

Submission:

Roden Lab, Vanderbilt University Medical Center
No classification provided (evidence only). Condition: Long QT syndrome 5. Review status: no classification provided. Collection method: in vitro. Allele origin: not applicable. Functional consequence: Effect on ion channel function.
ClinVar note: "not provided" was previously submitted as the classification for the variant. However, the classification appeared to be based only on an observation of functional data so it was converted to no classification on 2025-07-30.